The following is an entry in ClinVar:

ClinVar aggregate classification (germline): Uncertain significance. Review status: criteria provided, multiple submitters, no conflicts (2 of 4 stars). 2 submissions from 2 submitters: Uncertain significance (2). Last evaluated 2023-10-13.

Conditions:
GM3 synthase deficiency (SPDRS). Also called: SALT AND PEPPER MENTAL RETARDATION SYNDROME; SALT AND PEPPER DEVELOPMENTAL REGRESSION SYNDROME; AMISH INFANTILE EPILEPSY SYNDROME. Identifiers: Orphanet 171714, Orphanet 370933, MedGen C1836824, MONDO:0018274, OMIM 609056.

Allele frequency attached by ClinVar (database versions not stated): gnomAD 0.00001; gnomAD exomes 0.00001; ExAC 0.00002; TOPMed 0.00003.
gnomAD v4.1: 11 of 1,595,672 alleles (0.00069%); highest among the groups gnomAD compares: East Asian, 0.0022%; no homozygotes.

Submissions (2):

Labcorp Genetics (formerly Invitae), Labcorp
Classification: Uncertain significance for GM3 synthase deficiency. Last evaluated: 2023-10-13. Review status: criteria provided, single submitter. Criteria: Invitae Variant Classification Sherloc (09022015). Collection method: clinical testing. Allele origin: germline.
Comment: This sequence change replaces threonine, which is neutral and polar, with alanine, which is neutral and non-polar, at codon 71 of the ST3GAL5 protein (p.Thr71Ala). This variant is present in population databases (rs755223491, gnomAD 0.003%). This variant has not been reported in the literature in individuals affected with ST3GAL5-related conditions. ClinVar contains an entry for this variant (Variation ID: 940208). An algorithm developed to predict the effect of missense changes on protein structure and function (PolyPhen-2) suggests that this variant¬†is likely to be tolerated. In summary, the available evidence is currently insufficient to determine the role of this variant in disease. Therefore, it has been classified as a Variant of Uncertain Significance.

GeneDx
Classification: Uncertain significance. Last evaluated: 2019-07-29. Review status: criteria provided, single submitter. Criteria: GeneDx Variant Classification Process June 2021. Collection method: clinical testing. Allele origin: germline. Affected: yes.
Comment: Not observed at a significant frequency in large population cohorts (Lek et al., 2016); In silico analysis, which includes protein predictors and evolutionary conservation, supports that this variant does not alter protein structure/function; Has not been previously published as pathogenic or benign to our knowledge

NM_003896.4(ST3GAL5):c.211A>G (p.Thr71Ala)

Gene: ST3GAL5 (ST3 beta-galactoside alpha-2,3-sialyltransferase 5; minus strand). Cytogenetic location: 2p11.2.
Variant type: single nucleotide variant.
Coding change: c.211A>G on transcript NM_003896.4 (MANE Select); coding-DNA position 211, A replaced by G.
Protein change: p.Thr71Ala; replaces threonine 71 with alanine.
Molecular consequence: missense variant. On other transcripts: 5 prime UTR variant (5).
Genome position (GRCh38, 1-based): chr2:85,861,288, T>C on the plus strand (A>G on the coding strand, the complement: ST3GAL5 is on the minus strand). VCF-style: chr2-85861288-T-C. GRCh37 (hg19) VCF-style: chr2-86088411-T-C.
Other names: c.142A>G, p.Thr48Ala (NM_001042437.2); c.-351A>G (NM_001354223.2, NM_001354226.2); c.-414A>G (NM_001354224.2); c.127A>G, p.Thr43Ala (NM_001354227.2, NM_001354229.2, NM_001354238.1); c.-791A>G (NM_001354233.2); c.-755A>G (NM_001354234.1); c.211A>G, p.Thr71Ala (NM_001363847.1); short protein forms T48A, T43A, T71A.
Identifiers: ClinVar variation 940208 (VCV000940208.9), dbSNP rs755223491, ClinGen allele CA1745128.